The following is an entry in ClinVar:

NM_001008537.3(NEXMIF):c.2587C>T (p.Leu863Phe)

Gene: NEXMIF (neurite extension and migration factor; minus strand). Cytogenetic location: Xq13.3.
Variant type: single nucleotide variant.
Coding change: c.2587C>T on transcript NM_001008537.3 (MANE Select); coding-DNA position 2587, C replaced by T.
Protein change: p.Leu863Phe; replaces leucine 863 with phenylalanine.
Molecular consequence: missense variant.
Genome position (GRCh38, 1-based): chrX:74,741,970, G>A on the plus strand (C>T on the coding strand, the complement: NEXMIF is on the minus strand). VCF-style: chrX-74741970-G-A. GRCh37 (hg19) VCF-style: chrX-73961805-G-A.
Other names: short protein forms L863F.
Identifiers: ClinVar variation 1210736 (VCV001210736.9), dbSNP rs778485933, ClinGen allele CA10455028.

ClinVar aggregate classification (germline): Uncertain significance. Review status: criteria provided, multiple submitters, no conflicts (2 of 4 stars). 2 submissions from 2 submitters: Uncertain significance (2). Last evaluated 2025-02-24.

Allele frequency attached by ClinVar (database versions not stated): gnomAD exomes below 0.00001 and 0.00003; TOPMed 0.00001; ExAC 0.00002.
gnomAD v4.1: 5 of 1,211,525 alleles (0.00041%); highest among the groups gnomAD compares: Admixed American, 0.011%; no homozygotes.

Submissions (2):

Labcorp Genetics (formerly Invitae), Labcorp
Classification: Uncertain significance. Last evaluated: 2025-02-24. Review status: criteria provided, single submitter. Criteria: Invitae Variant Classification Sherloc (09022015). Collection method: clinical testing. Allele origin: germline.
Comment: This sequence change replaces leucine, which is neutral and non-polar, with phenylalanine, which is neutral and non-polar, at codon 863 of the NEXMIF protein (p.Leu863Phe). This variant is present in population databases (rs778485933, gnomAD 0.02%). This variant has not been reported in the literature in individuals affected with NEXMIF-related conditions. ClinVar contains an entry for this variant (Variation ID: 1210736). An algorithm developed to predict the effect of missense changes on protein structure and function (PolyPhen-2) suggests that this variant is likely to be disruptive. In summary, the available evidence is currently insufficient to determine the role of this variant in disease. Therefore, it has been classified as a Variant of Uncertain Significance.

GeneDx
Classification: Uncertain significance. Last evaluated: 2021-01-29. Review status: criteria provided, single submitter. Criteria: GeneDx Variant Classification Process June 2021. Collection method: clinical testing. Allele origin: germline. Affected: yes.
Comment: In silico analysis supports that this missense variant does not alter protein structure/function; Has not been previously published as pathogenic or benign to our knowledge